The following is an entry in ClinVar:

ClinVar aggregate classification (germline): Uncertain significance (1 of 4 stars; one submission).

Conditions:
Noonan syndrome 9 (NS9). Identifiers: Orphanet 648, MedGen C4225282, MONDO:0014691, OMIM 616559.

Submission:

Labcorp Genetics (formerly Invitae), Labcorp
Classification: Uncertain significance for Noonan syndrome 9. Last evaluated: 2024-12-24. Review status: criteria provided, single submitter. Criteria: Invitae Variant Classification Sherloc (09022015). Collection method: clinical testing. Allele origin: germline.
Comment: This sequence change replaces phenylalanine, which is neutral and non-polar, with isoleucine, which is neutral and non-polar, at codon 945 of the SOS2 protein (p.Phe945Ile). This variant is not present in population databases (gnomAD no frequency). This variant has not been reported in the literature in individuals affected with SOS2-related conditions. Invitae Evidence Modeling of protein sequence and biophysical properties (such as structural, functional, and spatial information, amino acid conservation, physicochemical variation, residue mobility, and thermodynamic stability) indicates that this missense variant is not expected to disrupt SOS2 protein function with a negative predictive value of 95%. In summary, the available evidence is currently insufficient to determine the role of this variant in disease. Therefore, it has been classified as a Variant of Uncertain Significance.

NM_006939.4(SOS2):c.2833T>A (p.Phe945Ile)

Gene: SOS2 (SOS Ras/Rho guanine nucleotide exchange factor 2; minus strand). Cytogenetic location: 14q21.3.
Variant type: single nucleotide variant.
Coding change: c.2833T>A on transcript NM_006939.4 (MANE Select); coding-DNA position 2833, T replaced by A.
Protein change: p.Phe945Ile; replaces phenylalanine 945 with isoleucine.
Molecular consequence: missense variant.
Genome position (GRCh38, 1-based): chr14:50,138,737, A>T on the plus strand (T>A on the coding strand, the complement: SOS2 is on the minus strand). VCF-style: chr14-50138737-A-T. GRCh37 (hg19) VCF-style: chr14-50605455-A-T.
Other names: c.2734T>A, p.Phe912Ile (NM_001411020.1); short protein forms F912I, F945I.
Identifiers: ClinVar variation 3636088 (VCV003636088.2).